The following is an entry in ClinVar:

NM_032043.3(BRIP1):c.873C>G (p.Asn291Lys)

Gene: BRIP1 (BRCA1 interacting DNA helicase 1; minus strand). Cytogenetic location: 17q23.2.
Variant type: single nucleotide variant.
Coding change: c.873C>G on transcript NM_032043.3 (MANE Select); coding-DNA position 873, C replaced by G.
Protein change: p.Asn291Lys; replaces asparagine 291 with lysine.
Molecular consequence: missense variant.
Genome position (GRCh38, 1-based): chr17:61,808,512, G>C on the plus strand (C>G on the coding strand, the complement: BRIP1 is on the minus strand). VCF-style: chr17-61808512-G-C. GRCh37 (hg19) VCF-style: chr17-59885873-G-C.
Other names: short protein forms N291K.
Identifiers: ClinVar variation 3572446 (VCV003572446.1).

ClinVar aggregate classification (germline): Uncertain significance (1 of 4 stars; one submission).

Submission:

GeneDx
Classification: Uncertain significance. Last evaluated: 2024-07-12. Review status: criteria provided, single submitter. Criteria: GeneDx Variant Classification Process June 2021. Collection method: clinical testing. Allele origin: germline. Affected: yes.
Comment: Not observed at significant frequency in large population cohorts (gnomAD); In silico analysis supports a deleterious effect on splicing; In silico analysis indicates that this missense variant does not alter protein structure/function; Has not been previously published as pathogenic or benign to our knowledge